The following is an entry in ClinVar:

NM_000222.3(KIT):c.331G>T (p.Val111Phe)

Gene: KIT (KIT proto-oncogene, receptor tyrosine kinase; plus strand). Cytogenetic location: 4q12.
Variant type: single nucleotide variant.
Coding change: c.331G>T on transcript NM_000222.3 (MANE Select); coding-DNA position 331, G replaced by T.
Protein change: p.Val111Phe; replaces valine 111 with phenylalanine.
Molecular consequence: missense variant.
Genome position (GRCh38, 1-based): chr4:54,695,775, G>T. VCF-style: chr4-54695775-G-T. GRCh37 (hg19) VCF-style: chr4-55561941-G-T.
Other names: c.331G>T, p.Val111Phe (NM_001093772.2, NM_001385284.1, NM_001385285.1 and 4 more transcripts); short protein forms V111F.
Identifiers: ClinVar variation 1730190 (VCV001730190.3), dbSNP rs2109663136, ClinGen allele CA356897348.

ClinVar aggregate classification (germline): Uncertain significance (1 of 4 stars; one submission).

Conditions:
Hereditary cancer-predisposing syndrome. Also called: Neoplastic Syndromes, Hereditary; Tumor predisposition; Hereditary Cancer Syndrome; Hereditary neoplastic syndrome. Identifiers: Orphanet 140162, MedGen C0027672, MeSH D009386, MONDO:0015356.

Submission:

Ambry Genetics
Classification: Uncertain significance for Hereditary cancer-predisposing syndrome. Last evaluated: 2022-04-20. Review status: criteria provided, single submitter. Criteria: Ambry Variant Classification Scheme 2023. Collection method: clinical testing. Allele origin: germline.
Comment: The p.V111F variant (also known as c.331G>T), located in coding exon 2 of the KIT gene, results from a G to T substitution at nucleotide position 331. The valine at codon 111 is replaced by phenylalanine, an amino acid with highly similar properties. This amino acid position is conserved. In addition, this alteration is predicted to be deleterious by in silico analysis. Since supporting evidence is limited at this time, the clinical significance of this alteration remains unclear.